The following is an entry in ClinVar:

ClinVar aggregate classification (germline): Uncertain significance (1 of 4 stars; one submission).

Submission:

CeGaT Center for Human Genetics Tuebingen
Classification: Uncertain significance. Last evaluated: 2024-05-01. Review status: criteria provided, single submitter. Criteria: CeGaT Center For Human Genetics Tuebingen Variant Classification Criteria Version 2. Collection method: clinical testing. Allele origin: germline. Affected: yes. Observed: 1 variant allele.
Comment: DSCAM: PM2

NM_001389.5(DSCAM):c.3003C>G (p.Ile1001Met)

Gene: DSCAM (DS cell adhesion molecule; minus strand). Cytogenetic location: 21q22.2.
Variant type: single nucleotide variant.
Coding change: c.3003C>G on transcript NM_001389.5 (MANE Select); coding-DNA position 3003, C replaced by G.
Protein change: p.Ile1001Met; replaces isoleucine 1001 with methionine.
Molecular consequence: missense variant. On other transcripts: non-coding transcript variant (1).
Genome position (GRCh38, 1-based): chr21:40,167,233, G>C on the plus strand (C>G on the coding strand, the complement: DSCAM is on the minus strand). VCF-style: chr21-40167233-G-C. GRCh37 (hg19) VCF-style: chr21-41539160-G-C.
Other names: c.3003C>G, p.Ile1001Met (NM_001271534.3, NM_206887.1); short protein forms I1001M.
Identifiers: ClinVar variation 3239443 (VCV003239443.19), dbSNP rs2517268903.